The following is an entry in ClinVar:

NM_001042492.3(NF1):c.6642+6del

Gene: NF1 (neurofibromin 1; plus strand). Cytogenetic location: 17q11.2.
Variant type: Deletion.
Coding change: c.6642+6del on transcript NM_001042492.3 (MANE Select); 6 bases into the intron after coding-DNA position 6642, one base deleted (G; older notation c.6642+6delG).
Molecular consequence: intron variant.
Genome position (GRCh38, 1-based): chr17:31,337,588, G deleted. VCF-style (leftmost placement, unchanged base first): chr17-31337587-AG-A. GRCh37 (hg19) VCF-style: chr17-29664605-AG-A.
Other names: c.6579+6del (NM_000267.4); c.6579+6delG (NM_000267.3).
Identifiers: ClinVar variation 647927 (VCV000647927.7), dbSNP rs1597844152, ClinGen allele CA915949949.

ClinVar aggregate classification (germline): Uncertain significance (1 of 4 stars; one submission).

Conditions:
Neurofibromatosis, type 1 (NF1). Also called: VON RECKLINGHAUSEN DISEASE; Neurofibromatosis, type I; NEUROFIBROMATOSIS, TYPE I, SOMATIC; Peripheral type neurofibromatosis. Identifiers: Orphanet 636, MedGen C0027831, MONDO:0018975, OMIM 162200. Disease mechanism: loss of function.

Allele frequency attached by ClinVar (database versions not stated): TOPMed 0.00001.

Submission:

Labcorp Genetics (formerly Invitae), Labcorp
Classification: Uncertain significance for Neurofibromatosis, type 1. Last evaluated: 2025-05-07. Review status: criteria provided, single submitter. Criteria: Invitae Variant Classification Sherloc (09022015). Collection method: clinical testing. Allele origin: germline.
Comment: This sequence change falls in intron 42 of the NF1 gene. It does not directly change the encoded amino acid sequence of the NF1 protein. It affects a nucleotide within the consensus splice site. This variant is not present in population databases (gnomAD no frequency). This variant has not been reported in the literature in individuals affected with NF1-related conditions. ClinVar contains an entry for this variant (Variation ID: 647927). Variants that disrupt the consensus splice site are a relatively common cause of aberrant splicing (PMID: 17576681, 9536098). Algorithms developed to predict the effect of sequence changes on RNA splicing suggest that this variant is not likely to affect RNA splicing. In summary, the available evidence is currently insufficient to determine the role of this variant in disease. Therefore, it has been classified as a Variant of Uncertain Significance.

Literature cited by the submitters: PubMed 17576681; PubMed 9536098.